The following is an entry in ClinVar:

NM_003482.4(KMT2D):c.5781A>G (p.Gln1927=)

Gene: KMT2D (lysine methyltransferase 2D; minus strand). Cytogenetic location: 12q13.12.
Variant type: single nucleotide variant.
Coding change: c.5781A>G on transcript NM_003482.4 (MANE Select); coding-DNA position 5781, A replaced by G.
Protein change: p.Gln1927=; no amino-acid change (glutamine 1927 retained).
Molecular consequence: synonymous variant.
Genome position (GRCh38, 1-based): chr12:49,042,742, T>C on the plus strand (A>G on the coding strand, the complement: KMT2D is on the minus strand). VCF-style: chr12-49042742-T-C. GRCh37 (hg19) VCF-style: chr12-49436525-T-C.
Identifiers: ClinVar variation 4764504 (VCV004764504.1).
Genomic context (GRCh38, chr12:49,042,742, plus strand): 5'-GCCCATCCTGGAGGCAAGCTTGGTTATGTCAGTCTTCAGACCACTCCCACCTGTATTACC[T>C]TGAAGAAAGGGCCTCTGCAGTGGCGTACGGCTGCCTTCTAGGCCAGGGGTTCCACAACCC-3'
Protein context (NP_003473.3, residues 1917-1937): SRTPLQRPFL[Gln1927=]GGLPLGNLPS

ClinVar aggregate classification (germline): Uncertain significance (1 of 4 stars; one submission).

Conditions:
Kabuki syndrome. Also called: Kabuki make-up syndrome; NIIKAWA-KUROKI SYNDROME. Identifiers: Orphanet 2322, MedGen C0796004, MONDO:0016512.

Submission:

Labcorp Genetics (formerly Invitae), Labcorp
Classification: Uncertain significance for Kabuki syndrome. Last evaluated: 2025-02-23. Review status: criteria provided, single submitter. Criteria: Invitae Variant Classification Sherloc (09022015). Collection method: clinical testing. Allele origin: germline.
Comment: This sequence change affects codon 1927 of the KMT2D mRNA. It is a 'silent' change, meaning that it does not change the encoded amino acid sequence of the KMT2D protein. It affects a nucleotide within the consensus splice site. This variant is not present in population databases (gnomAD no frequency). This variant has not been reported in the literature in individuals affected with KMT2D-related conditions. Algorithms developed to predict the effect of sequence changes on RNA splicing suggest that this variant may disrupt the consensus splice site. In summary, the available evidence is currently insufficient to determine the role of this variant in disease. Therefore, it has been classified as a Variant of Uncertain Significance.